The following is an entry in ClinVar:

NM_000487.6(ARSA):c.737G>A (p.Arg246His)

Gene: ARSA (arylsulfatase A; minus strand). Cytogenetic location: 22q13.33.
Variant type: single nucleotide variant.
Coding change: c.737G>A on transcript NM_000487.6 (MANE Select); coding-DNA position 737, G replaced by A.
Protein change: p.Arg246His; replaces arginine 246 with histidine.
Molecular consequence: missense variant.
Genome position (GRCh38, 1-based): chr22:50,626,708, C>T on the plus strand (G>A on the coding strand, the complement: ARSA is on the minus strand). VCF-style: chr22-50626708-C-T. GRCh37 (hg19) VCF-style: chr22-51065136-C-T.
Other names: c.737G>A, p.Arg246His (NM_001085425.3, NM_001085426.3, NM_001085427.3); c.479G>A, p.Arg160His (NM_001085428.3, NM_001362782.2); short protein forms R246H, R160H.
Identifiers: ClinVar variation 68148 (VCV000068148.33), dbSNP rs199476366, ClinGen allele CA219052.
Genomic context (GRCh38, chr22:50,626,708, plus strand): 5'-GCTGTCATCAGGGTCCCCACAGCTGCATCCAGCTCCATCAGGGAGTCCCCAAATGGCCCG[C>T]GGCCTGAACGCTCTGCAAAGCTCTGCCCACTGAACTGAGGGTAGTGGGTGTGCTGGGGGC-3'
Protein context (NP_000478.3, residues 236-256): SGQSFAERSG[Arg246His]GPFGDSLMEL

ClinVar aggregate classification (germline): Pathogenic. Review status: criteria provided, multiple submitters, no conflicts (2 of 4 stars). 9 submissions from 9 submitters: Pathogenic (7). 2 of the submissions do not count toward it. Last evaluated 2025-11-25.

Conditions:
Metachromatic leukodystrophy (MLD). Also called: METACHROMATIC LEUKOENCEPHALOPATHY; SULFATIDE LIPIDOSIS; Cerebral sclerosis diffuse metachromatic form; Arylsulfatase A Deficiency; ARSA DEFICIENCY; CEREBROSIDE SULFATASE DEFICIENCY. Identifiers: Orphanet 512, MedGen C0023522, MONDO:0018868, OMIM 250100.

Allele frequency attached by ClinVar (database versions not stated): ExAC 0.00002; gnomAD exomes 0.00001.

Submissions (10):

Natera, Inc.
Classification: Pathogenic for Metachromatic leukodystrophy. Last evaluated: 2025-11-25. Review status: criteria provided, single submitter. Criteria: Natera Variant Classification Schema (03/2026). Collection method: clinical testing. Allele origin: germline.
Comment: The c.737G>A variant in ARSA is a missense variant predicted to cause substitution of arginine to histidine at amino acid 246. This variant is rare in the general population with a frequency below the threshold expected for the associated phenotype(s). This variant has been observed in one or more individuals affected with the associated recessive disease, as either homozygous or compound heterozygous with a second variant (PMID: 26462614). Given the available evidence, this variant is classified as Pathogenic.

Labcorp Genetics (formerly Invitae), Labcorp
Classification: Pathogenic for Metachromatic leukodystrophy. Last evaluated: 2024-01-24. Review status: criteria provided, single submitter. Criteria: Invitae Variant Classification Sherloc (09022015). Collection method: clinical testing. Allele origin: germline.
Comment: This sequence change replaces arginine, which is basic and polar, with histidine, which is basic and polar, at codon 246 of the ARSA protein (p.Arg246His). This variant is present in population databases (rs199476366, gnomAD 0.006%). This missense change has been observed in individual(s) with metachromatic leukodystrophy (PMID: 9090526, 22993277, 25965562, 26462614). This variant is also known as p.Arg244His. ClinVar contains an entry for this variant (Variation ID: 68148). Advanced modeling of protein sequence and biophysical properties (such as structural, functional, and spatial information, amino acid conservation, physicochemical variation, residue mobility, and thermodynamic stability) performed at Invitae indicates that this missense variant is expected to disrupt ARSA protein function with a positive predictive value of 95%. This variant disrupts the p.Arg246 amino acid residue in ARSA. Other variant(s) that disrupt this residue have been observed in individuals with ARSA-related conditions (PMID: 2299327, 9090526), which suggests that this may be a clinically significant amino acid residue. For these reasons, this variant has been classified as Pathogenic.

GeneDx
Classification: Pathogenic. Last evaluated: 2022-12-28. Review status: criteria provided, single submitter. Criteria: GeneDx Variant Classification Process June 2021. Collection method: clinical testing. Allele origin: germline. Affected: yes.
Comment: Not observed at a significant frequency in large population cohorts (gnomAD); In silico analysis supports that this missense variant has a deleterious effect on protein structure/function; Also known as R244H using alternate nomenclature; This variant is associated with the following publications: (PMID: 22993277, 27289174, 9090526, 25965562, 23845948, 26462614)

Department of Pathology and Laboratory Medicine, Sinai Health System
Classification: Pathogenic for Metachromatic leukodystrophy. Last evaluated: 2022-10-17. Review status: criteria provided, single submitter. Criteria: ACMG Guidelines, 2015. Collection method: research. Allele origin: germline.

Revvity Omics, Revvity
Classification: Pathogenic for Metachromatic leukodystrophy. Last evaluated: 2022-09-12. Review status: criteria provided, single submitter. Criteria: ACMG Guidelines, 2015. Collection method: clinical testing. Allele origin: germline.

Eurofins Ntd Llc (ga)
Classification: Pathogenic. Last evaluated: 2013-07-03. Review status: criteria provided, single submitter. Criteria: EGL Classification Definitions 2015. Collection method: clinical testing. Allele origin: germline. Observed: 4 variant alleles, 2 heterozygotes, 2 homozygotes.

Juno Genomics, Hangzhou Juno Genomics, Inc
Classification: Pathogenic for Metachromatic leukodystrophy. Review status: criteria provided, single submitter. Criteria: ACMG Guidelines, 2015. Collection method: clinical testing. Allele origin: germline.
Comment: Absent from controls (or at extremely low frequency if recessive) in Genome Aggregation Database.;Multiple lines of computational evidence support a deleterious effect on the gene or gene product.;For recessive disorders, detected in trans with a pathogenic variant.;Patient's phenotype or family history is highly specific for a disease with a single genetic etiology.

Counsyl
Classification: Likely pathogenic for Metachromatic leukodystrophy. Last evaluated: 2017-04-17. Review status: no assertion criteria provided. Collection method: clinical testing. Allele origin: unknown. Not counted in ClinVar's aggregate classification.

Gelb Laboratory, University of Washington
No classification provided (evidence only). Condition: Metachromatic leukodystrophy. Review status: no classification provided. Collection method: in vitro. Allele origin: not applicable. Functional consequence: loss of function. Not counted in ClinVar's aggregate classification.

UniProtKB/Swiss-Prot
No classification provided. Review status: no classification provided. Collection method: not provided. Allele origin: not provided. Not counted in ClinVar's aggregate classification.

Literature cited by the submitters: PubMed 26462614 (cited by 3 submitters); PubMed 9090526 (cited by Labcorp Genetics (formerly Invitae), Labcorp and Counsyl); PubMed 22993277 (cited by Labcorp Genetics (formerly Invitae), Labcorp and Counsyl); PubMed 25965562 (cited by Labcorp Genetics (formerly Invitae), Labcorp and Counsyl); PubMed 2299327 (cited by Labcorp Genetics (formerly Invitae), Labcorp).